The following is an entry in ClinVar:

ClinVar aggregate classification (germline): Uncertain significance. Review status: criteria provided, multiple submitters, no conflicts (2 of 4 stars). 3 submissions from 3 submitters: Uncertain significance (3). Last evaluated 2023-09-12.

Conditions:
Hereditary cancer-predisposing syndrome. Also called: Hereditary Cancer Syndrome; Tumor predisposition; Neoplastic Syndromes, Hereditary; Hereditary neoplastic syndrome. Identifiers: Orphanet 140162, MedGen C0027672, MeSH D009386, MONDO:0015356.
Retinoblastoma (RB1). Also called: RETINOBLASTOMA, SOMATIC. Identifiers: Orphanet 790, MedGen C0035335, MeSH D012175, MONDO:0008380, OMIM 180200, HP:0009919. Disease mechanism: loss of function. Inheritance: Both sporadic and heritable forms are tested..

Allele frequency attached by ClinVar (database versions not stated): gnomAD exomes below 0.00001; TOPMed below 0.00001.
gnomAD v4.1: 1 of 1,613,524 alleles (0.000062%); highest among the groups gnomAD compares: Non-Finnish European, 0.000085%; no homozygotes.

Submissions (3):

Labcorp Genetics (formerly Invitae), Labcorp
Classification: Uncertain significance for Retinoblastoma. Last evaluated: 2023-09-12. Review status: criteria provided, single submitter. Criteria: Invitae Variant Classification Sherloc (09022015). Collection method: clinical testing. Allele origin: germline.
Comment: This sequence change replaces glutamine, which is neutral and polar, with arginine, which is basic and polar, at codon 912 of the RB1 protein (p.Gln912Arg). This variant is not present in population databases (gnomAD no frequency). This variant has not been reported in the literature in individuals affected with RB1-related conditions. ClinVar contains an entry for this variant (Variation ID: 1015555). Advanced modeling of protein sequence and biophysical properties (such as structural, functional, and spatial information, amino acid conservation, physicochemical variation, residue mobility, and thermodynamic stability) has been performed at Invitae for this missense variant, however the output from this modeling did not meet the statistical confidence thresholds required to predict the impact of this variant on RB1 protein function. In summary, the available evidence is currently insufficient to determine the role of this variant in disease. Therefore, it has been classified as a Variant of Uncertain Significance.

Ambry Genetics
Classification: Uncertain significance for Hereditary cancer-predisposing syndrome. Last evaluated: 2023-07-26. Review status: criteria provided, single submitter. Criteria: Ambry Variant Classification Scheme 2023. Collection method: clinical testing. Allele origin: germline.
Comment: The p.Q912R variant (also known as c.2735A>G), located in coding exon 27 of the RB1 gene, results from an A to G substitution at nucleotide position 2735. The glutamine at codon 912 is replaced by arginine, an amino acid with highly similar properties. This amino acid position is conserved. In addition, the in silico prediction for this alteration is inconclusive. Since supporting evidence is limited at this time, the clinical significance of this alteration remains unclear.

All of Us Research Program, National Institutes of Health
Classification: Uncertain significance for Retinoblastoma. Last evaluated: 2023-02-24. Review status: criteria provided, single submitter. Criteria: ACMG Guidelines, 2015. Collection method: clinical testing. Allele origin: germline. Inheritance: Autosomal dominant inheritance. Observed: 1 variant allele, 1 heterozygote.
Comment: This missense variant replaces glutamine with arginine at codon 912 of the RB1 protein. Computational prediction is inconclusive regarding the impact of this variant on protein structure and function (internally defined REVEL score threshold 0.5 < inconclusive < 0.7, PMID: 27666373). To our knowledge, functional studies have not been reported for this variant. This variant has not been reported in individuals affected with RB1-related disorders in the literature. This variant has not been identified in the general population by the Genome Aggregation Database (gnomAD). The available evidence is insufficient to determine the role of this variant in disease conclusively. Therefore, this variant is classified as a Variant of Uncertain Significance.

This study involves interpretation of variants in research participants for the purpose of population health screening. Participant phenotype was not available at the time of variant classification. Additional details can be found in publication PMID: 35346344, PMCID: PMC8962531

NM_000321.3(RB1):c.2735A>G (p.Gln912Arg)

Gene: RB1 (RB transcriptional corepressor 1; plus strand). Cytogenetic location: 13q14.2.
Variant type: single nucleotide variant.
Coding change: c.2735A>G on transcript NM_000321.3 (MANE Select); coding-DNA position 2735, A replaced by G.
Protein change: p.Gln912Arg; replaces glutamine 912 with arginine.
Molecular consequence: missense variant.
Genome position (GRCh38, 1-based): chr13:48,480,019, A>G. VCF-style: chr13-48480019-A-G. GRCh37 (hg19) VCF-style: chr13-49054155-A-G.
Other names: c.2735A>G (NM_000321.2); short protein forms Q912R.
Identifiers: ClinVar variation 1015555 (VCV001015555.11), dbSNP rs1949528429, ClinGen allele CA388158292.